The following is an entry in ClinVar:

NM_000455.5(STK11):c.1301G>A (p.Ter434=)

Gene: STK11 (serine/threonine kinase 11; plus strand). Cytogenetic location: 19p13.3.
Variant type: single nucleotide variant.
Coding change: c.1301G>A on transcript NM_000455.5 (MANE Select); coding-DNA position 1301, G replaced by A.
Protein change: p.Ter434=.
Molecular consequence: synonymous variant. On other transcripts: non-coding transcript variant (1).
Genome position (GRCh38, 1-based): chr19:1,226,646, G>A. VCF-style: chr19-1226646-G-A. GRCh37 (hg19) VCF-style: chr19-1226645-G-A.
Identifiers: ClinVar variation 3231741 (VCV003231741.3), dbSNP rs1333158922, ClinGen allele CA504708566.

ClinVar aggregate classification (germline): Conflicting classifications of pathogenicity. Review status: criteria provided, conflicting classifications (1 of 4 stars). 4 submissions from 4 submitters: Uncertain significance (3); Likely benign (1). Last evaluated 2025-12-29.

Conditions:
Hereditary cancer-predisposing syndrome. Also called: Hereditary Cancer Syndrome; Tumor predisposition; Neoplastic Syndromes, Hereditary; Hereditary neoplastic syndrome. Identifiers: Orphanet 140162, MedGen C0027672, MeSH D009386, MONDO:0015356.
Peutz-Jeghers syndrome (PJS). Also called: POLYPOSIS, HAMARTOMATOUS INTESTINAL; POLYPS-AND-SPOTS SYNDROME; Peutz-Jeghers polyposis; Periorificial lentiginosis syndrome. Identifiers: Orphanet 2869, MedGen C0031269, MeSH D010580, MONDO:0008280, OMIM 175200.

Allele frequency attached by ClinVar (database versions not stated): gnomAD exomes below 0.00001.
gnomAD v4.1: 1 of 1,519,776 alleles (0.000066%); highest among the groups gnomAD compares: Non-Finnish European, 0.000088%; no homozygotes.

Submissions (4):

Center for Genomic Medicine, Rigshospitalet, Copenhagen University Hospital
Classification: Uncertain significance. Last evaluated: 2025-12-29. Review status: criteria provided, single submitter. Criteria: ACMG Guidelines, 2015. Collection method: clinical testing. Allele origin: germline.

Color Diagnostics, LLC DBA Color Health
Classification: Uncertain significance for Hereditary cancer-predisposing syndrome. Last evaluated: 2025-07-09. Review status: criteria provided, single submitter. Criteria: ACMG Guidelines, 2015. Collection method: clinical testing. Allele origin: germline.
Comment: This synonymous variant is a located in the stop codon of the STK11 gene, changing the TGA codon to a TAA codon. Splice site prediction tools suggest that this variant may impact RNA splicing by potentially activating a cryptic splice donor site upstream of the stop codon. To our knowledge, RNA studies have not been reported for this variant. This variant has not been reported in individuals affected with hereditary cancer in the literature. This variant has not been identified in the general population by the Genome Aggregation Database (gnomAD). The available evidence is insufficient to determine the role of this variant in disease conclusively. Therefore, this variant is classified as a Variant of Uncertain Significance.

Labcorp Genetics (formerly Invitae), Labcorp
Classification: Likely benign for Peutz-Jeghers syndrome. Last evaluated: 2025-05-06. Review status: criteria provided, single submitter. Criteria: Invitae Variant Classification Sherloc (09022015). Collection method: clinical testing. Allele origin: germline.

Ambry Genetics
Classification: Uncertain significance for Hereditary cancer-predisposing syndrome. Last evaluated: 2024-01-15. Review status: criteria provided, single submitter. Criteria: Ambry Variant Classification Scheme 2023. Collection method: clinical testing. Allele origin: germline.
Comment: The c.1301G>A variant (also known as p.*434*), located in coding exon 9 of the STK11 gene, results from a G to A substitution at nucleotide position 1301. This nucleotide substitution does not change the stop codon at codon 434. This nucleotide position is highly conserved in available vertebrate species. In silico splice site analysis predicts that this alteration will result in the creation or strengthening of a novel splice donor site; however, direct evidence is insufficient at this time (Ambry internal data). Since supporting evidence is limited at this time, the clinical significance of this alteration remains unclear.

Literature cited by the submitters: PubMed 35700825 (cited by Center for Genomic Medicine, Rigshospitalet, Copenhagen University Hospital).